The following is an entry in ClinVar:

NM_000719.7(CACNA1C):c.5444+647A>G

Genes: CACNA1C (calcium voltage-gated channel subunit alpha1 C; plus strand), CACNA1C-AS1 (CACNA1C antisense RNA 1; minus strand). Cytogenetic location: 12p13.33.
Variant type: single nucleotide variant.
Coding change: c.5444+647A>G on transcript NM_000719.7 (MANE Select); 647 bases into the intron after coding-DNA position 5444, A replaced by G.
Molecular consequence: intron variant. On other transcripts: missense variant (1).
Genome position (GRCh38, 1-based): chr12:2,680,443, A>G. VCF-style: chr12-2680443-A-G. GRCh37 (hg19) VCF-style: chr12-2789609-A-G.
Other names: c.5492A>G, p.Gln1831Arg (NM_001167625.2); c.5444+647A>G (NM_001167624.3, NM_001167623.2, NM_001129840.2 and 4 more transcripts); c.5588+647A>G (NM_199460.4, NM_001129827.2); c.5504+647A>G (NM_001129832.2); c.5528+647A>G (NM_001129831.2); c.5501+647A>G (NM_001129833.2, NM_001129834.2, NM_001129835.2); c.5567+647A>G (NM_001129829.2); c.5468+647A>G (NM_001129837.2, NM_001129838.2); and 4 more; short protein forms Q1831R.
Identifiers: ClinVar variation 3906608 (VCV003906608.1).

ClinVar aggregate classification (germline): Uncertain significance (1 of 4 stars; one submission).

gnomAD v4.1: 32 of 1,561,546 alleles (0.002%); highest among the groups gnomAD compares: Non-Finnish European, 0.0024%; no homozygotes.

Submission:

GeneDx
Classification: Uncertain significance. Last evaluated: 2024-12-17. Review status: criteria provided, single submitter. Criteria: GeneDx Variant Classification Process June 2021. Collection method: clinical testing. Allele origin: germline. Affected: yes.
Comment: Not observed at significant frequency in large population cohorts (gnomAD); In silico analysis indicates that this variant does not alter splicing; Has not been previously published as pathogenic or benign to our knowledge